The following is an entry in ClinVar:

ClinVar aggregate classification (germline): Uncertain significance (1 of 4 stars; one submission).

Conditions:
Alstrom syndrome (ALMS). Identifiers: Orphanet 64, MedGen C0268425, MONDO:0008763, OMIM 203800.

Allele frequency attached by ClinVar (database versions not stated): ExAC 0.00001.
gnomAD v4.1: 4 of 1,614,158 alleles (0.00025%); highest among the groups gnomAD compares: Admixed American, 0.0017%; no homozygotes.

Submission:

Labcorp Genetics (formerly Invitae), Labcorp
Classification: Uncertain significance for Alstrom syndrome. Last evaluated: 2025-12-21. Review status: criteria provided, single submitter. Criteria: Invitae Variant Classification Sherloc (09022015). Collection method: clinical testing. Allele origin: germline.
Comment: This sequence change replaces isoleucine, which is neutral and non-polar, with valine, which is neutral and non-polar, at codon 3221 of the ALMS1 protein (p.Ile3221Val). This variant is present in population databases (rs760370290, gnomAD no frequency). This variant has not been reported in the literature in individuals affected with ALMS1-related conditions. ClinVar contains an entry for this variant (Variation ID: 1502574). Experimental studies and prediction algorithms are not available or were not evaluated, and the functional significance of this variant is currently unknown. In summary, the available evidence is currently insufficient to determine the role of this variant in disease. Therefore, it has been classified as a Variant of Uncertain Significance.

NM_001378454.1(ALMS1):c.9658A>G (p.Ile3220Val)

Gene: ALMS1 (ALMS1 centrosome and basal body associated protein; plus strand). Cytogenetic location: 2p13.1.
Variant type: single nucleotide variant.
Coding change: c.9658A>G on transcript NM_001378454.1 (MANE Select); coding-DNA position 9658, A replaced by G.
Protein change: p.Ile3220Val; replaces isoleucine 3220 with valine.
Molecular consequence: missense variant.
Genome position (GRCh38, 1-based): chr2:73,519,893, A>G. VCF-style: chr2-73519893-A-G. GRCh37 (hg19) VCF-style: chr2-73747020-A-G.
Other names: c.9661A>G, p.Ile3221Val (NM_015120.4); short protein forms I3220V, I3221V.
Identifiers: ClinVar variation 1502574 (VCV001502574.4), dbSNP rs760370290, ClinGen allele CA1714729.